The following is an entry in ClinVar:

ClinVar aggregate classification (germline): Uncertain significance (1 of 4 stars; one submission).

Conditions:
Inborn genetic diseases. Identifiers: MedGen C0950123, MeSH D030342.

gnomAD v4.1: 2 of 1,609,640 alleles (0.00012%); highest among the groups gnomAD compares: Non-Finnish European, 0.00017%; no homozygotes.

Submission:

Ambry Genetics
Classification: Uncertain significance for Inborn genetic diseases. Last evaluated: 2026-06-14. Review status: criteria provided, single submitter. Criteria: Ambry Variant Classification Scheme 2023. Collection method: clinical testing. Allele origin: germline.
Comment: The p.E19K variant (also known as c.55G>A), located in coding exon 1 of the USB1 gene, results from a G to A substitution at nucleotide position 55. The glutamic acid at codon 19 is replaced by lysine, an amino acid with similar properties. This amino acid position is conserved. In addition, this alteration is predicted to be tolerated by in silico analysis. Based on the available evidence, the clinical significance of this variant remains unclear.

NM_024598.4(USB1):c.55G>A (p.Glu19Lys)

Gene: USB1 (U6 snRNA biogenesis phosphodiesterase 1; plus strand). Cytogenetic location: 16q21.
Variant type: single nucleotide variant.
Coding change: c.55G>A on transcript NM_024598.4 (MANE Select); coding-DNA position 55, G replaced by A.
Protein change: p.Glu19Lys; replaces glutamic acid 19 with lysine.
Molecular consequence: missense variant. On other transcripts: intron variant (1).
Genome position (GRCh38, 1-based): chr16:58,001,538, G>A. VCF-style: chr16-58001538-G-A. GRCh37 (hg19) VCF-style: chr16-58035442-G-A.
Other names: c.55G>A, p.Glu19Lys (NM_001195302.2, NM_001204911.2, NM_001330569.2); c.-55-941G>A (NM_001330568.2); short protein forms E19K.
Identifiers: ClinVar variation 4866377 (VCV004866377.1).